The following is an entry in ClinVar:

NM_153252.5(BRWD3):c.1919A>G (p.Asn640Ser)

Gene: BRWD3 (bromodomain and WD repeat domain containing 3; minus strand). Cytogenetic location: Xq21.1.
Variant type: single nucleotide variant.
Coding change: c.1919A>G on transcript NM_153252.5 (MANE Select); coding-DNA position 1919, A replaced by G.
Protein change: p.Asn640Ser; replaces asparagine 640 with serine.
Molecular consequence: missense variant.
Genome position (GRCh38, 1-based): chrX:80,719,614, T>C on the plus strand (A>G on the coding strand, the complement: BRWD3 is on the minus strand). VCF-style: chrX-80719614-T-C. GRCh37 (hg19) VCF-style: chrX-79975113-T-C.
Other names: c.1919A>G (NM_153252.4); short protein forms N640S.
Identifiers: ClinVar variation 807783 (VCV000807783.46), dbSNP rs1481255809, ClinGen allele CA413634045.

ClinVar aggregate classification (germline): Uncertain significance. Review status: criteria provided, multiple submitters, no conflicts (2 of 4 stars). 3 submissions from 3 submitters: Uncertain significance (3). Last evaluated 2026-05-14.

Conditions:
Inborn genetic diseases. Identifiers: MedGen C0950123, MeSH D030342.

Allele frequency attached by ClinVar (database versions not stated): gnomAD 0.00001; gnomAD exomes 0.00001.
gnomAD v4.1: 4 of 1,208,808 alleles (0.00033%); highest among the groups gnomAD compares: African/African-American, 0.0018%; no homozygotes.

Submissions (3):

Ambry Genetics
Classification: Uncertain significance for Inborn genetic diseases. Last evaluated: 2026-05-14. Review status: criteria provided, single submitter. Criteria: Ambry Variant Classification Scheme 2023. Collection method: clinical testing. Allele origin: germline.
Comment: The c.1919A>G (p.N640S) alteration is located in exon 18 (coding exon 18) of the BRWD3 gene. This alteration results from a A to G substitution at nucleotide position 1919, causing the asparagine (N) at amino acid position 640 to be replaced by a serine (S). Based on data from gnomAD, the G allele has an overall frequency of <0.001% (1/183218) total alleles studied. The highest observed frequency was 0.001% (1/81808) of European (non-Finnish) alleles. Based on insufficient or conflicting evidence, the clinical significance of this alteration remains unclear.

Labcorp Genetics (formerly Invitae), Labcorp
Classification: Uncertain significance. Last evaluated: 2025-09-26. Review status: criteria provided, single submitter. Criteria: Invitae Variant Classification Sherloc (09022015). Collection method: clinical testing. Allele origin: germline.
Comment: This sequence change replaces asparagine, which is neutral and polar, with serine, which is neutral and polar, at codon 640 of the BRWD3 protein (p.Asn640Ser). This variant is present in population databases (no rsID available, gnomAD 0.001%). This variant has not been reported in the literature in individuals affected with BRWD3-related conditions. ClinVar contains an entry for this variant (Variation ID: 807783). Invitae Evidence Modeling of protein sequence and biophysical properties (such as structural, functional, and spatial information, amino acid conservation, physicochemical variation, residue mobility, and thermodynamic stability) indicates that this missense variant is not expected to disrupt BRWD3 protein function with a negative predictive value of 80%. In summary, the available evidence is currently insufficient to determine the role of this variant in disease. Therefore, it has been classified as a Variant of Uncertain Significance.

CeGaT Center for Human Genetics Tuebingen
Classification: Uncertain significance. Last evaluated: 2018-10-01. Review status: criteria provided, single submitter. Criteria: CeGaT Center For Human Genetics Tuebingen Variant Classification Criteria Version 2. Collection method: clinical testing. Allele origin: germline. Affected: yes. Observed: 3 variant alleles.